The following is an entry in ClinVar:

ClinVar aggregate classification (germline): Uncertain significance. Review status: criteria provided, multiple submitters, no conflicts (2 of 4 stars). 5 submissions from 5 submitters: Uncertain significance (5). Last evaluated 2025-07-28.

Conditions:
Inborn genetic diseases. Identifiers: MedGen C0950123, MeSH D030342.
Asphyxiating thoracic dystrophy 3. Also called: SHORT-RIB THORACIC DYSPLASIA 3 WITH OR WITHOUT POLYDACTYLY; POLYDACTYLY WITH NEONATAL CHONDRODYSTROPHY, TYPE I; SHORT-RIB THORACIC DYSPLASIA 3/6 WITH POLYDACTYLY, DIGENIC; Short rib polydactyly syndrome 2B; Saldino-Noonan Syndrome. Identifiers: Orphanet 474, Orphanet 93269, Orphanet 93270, Orphanet 93271, MedGen C0036069, MONDO:0013127, OMIM 613091.
Jeune thoracic dystrophy. Also called: Jeune syndrome; Infantile thoracic dystrophy; Thoracic pelvic phalangeal dystrophy; Jeune's syndrome; Chondroectodermal dysplasia-like syndrome; Short-rib thoracic dysplasia. Identifiers: Orphanet 474, MedGen C0265275, MONDO:0018770.

Allele frequency attached by ClinVar (database versions not stated): TOPMed 0.00006; gnomAD 0.00007 and 0.00008.
gnomAD v4.1: 46 of 1,613,444 alleles (0.0029%); highest among the groups gnomAD compares: Non-Finnish European, 0.0037%; no homozygotes.

Submissions (5):

Labcorp Genetics (formerly Invitae), Labcorp
Classification: Uncertain significance for Jeune thoracic dystrophy. Last evaluated: 2025-07-28. Review status: criteria provided, single submitter. Criteria: Invitae Variant Classification Sherloc (09022015). Collection method: clinical testing. Allele origin: germline.
Comment: This sequence change replaces arginine, which is basic and polar, with glycine, which is neutral and non-polar, at codon 578 of the DYNC2H1 protein (p.Arg578Gly). This variant is present in population databases (rs776317704, gnomAD 0.006%). This variant has not been reported in the literature in individuals affected with DYNC2H1-related conditions. ClinVar contains an entry for this variant (Variation ID: 879398). Invitae Evidence Modeling of protein sequence and biophysical properties (such as structural, functional, and spatial information, amino acid conservation, physicochemical variation, residue mobility, and thermodynamic stability) indicates that this missense variant is expected to disrupt DYNC2H1 protein function with a positive predictive value of 95%. In summary, the available evidence is currently insufficient to determine the role of this variant in disease. Therefore, it has been classified as a Variant of Uncertain Significance.

GeneDx
Classification: Uncertain significance. Last evaluated: 2024-03-01. Review status: criteria provided, single submitter. Criteria: GeneDx Variant Classification Process June 2021. Collection method: clinical testing. Allele origin: germline. Affected: yes.
Comment: Not observed at significant frequency in large population cohorts (gnomAD); In silico analysis supports that this missense variant has a deleterious effect on protein structure/function; Has not been previously published as pathogenic or benign to our knowledge

Ambry Genetics
Classification: Uncertain significance for Inborn genetic diseases. Last evaluated: 2023-02-28. Review status: criteria provided, single submitter. Criteria: Ambry Variant Classification Scheme 2023. Collection method: clinical testing. Allele origin: germline.

Revvity Omics, Revvity
Classification: Uncertain significance for Asphyxiating thoracic dystrophy 3. Last evaluated: 2022-08-06. Review status: criteria provided, single submitter. Criteria: ACMG Guidelines, 2015. Collection method: clinical testing. Allele origin: germline.

Illumina Laboratory Services, Illumina
Classification: Uncertain significance for Asphyxiating thoracic dystrophy 3. Last evaluated: 2018-01-13. Review status: criteria provided, single submitter. Criteria: ICSL Variant Classification Criteria 13 December 2019. Collection method: clinical testing. Allele origin: germline.

NM_001377.3(DYNC2H1):c.1732C>G (p.Arg578Gly)

Gene: DYNC2H1 (dynein cytoplasmic 2 heavy chain 1; plus strand). Cytogenetic location: 11q22.3.
Variant type: single nucleotide variant.
Coding change: c.1732C>G on transcript NM_001377.3 (MANE Select); coding-DNA position 1732, C replaced by G.
Protein change: p.Arg578Gly; replaces arginine 578 with glycine.
Molecular consequence: missense variant.
Genome position (GRCh38, 1-based): chr11:103,125,170, C>G. VCF-style: chr11-103125170-C-G. GRCh37 (hg19) VCF-style: chr11-102995899-C-G.
Other names: c.1732C>G, p.Arg578Gly (NM_001080463.2); short protein forms R578G.
Identifiers: ClinVar variation 879398 (VCV000879398.10), dbSNP rs776317704, ClinGen allele CA6252868.